The following is an entry in ClinVar:

ClinVar aggregate classification (germline): Uncertain significance. Review status: criteria provided, multiple submitters, no conflicts (2 of 4 stars). 3 submissions from 3 submitters: Uncertain significance (3). Last evaluated 2024-11-30.

Conditions:
Familial amyloid nephropathy with urticaria AND deafness (MWS). Also called: UDA SYNDROME; URTICARIA-DEAFNESS-AMYLOIDOSIS SYNDROME; MUCKLE-WELLS SYNDROME; Urticaria, deafness and amyloidosis; CRYOPYRIN-ASSOCIATED PERIODIC SYNDROME 2. Identifiers: Orphanet 575, MedGen C0268390, MONDO:0008633, OMIM 191900.
Hearing loss, autosomal dominant 34, with or without inflammation. Also called: DEAFNESS, AUTOSOMAL DOMINANT 34, WITH OR WITHOUT INFLAMMATION. Identifiers: MedGen C4521680, MONDO:0033261, OMIM 617772.
Keratitis fugax hereditaria. Also called: KERATOENDOTHELIITIS FUGAX HEREDITARIA. Identifiers: Orphanet 647815, MedGen C1835697, MONDO:0007849, OMIM 148200.
Chronic infantile neurological, cutaneous and articular syndrome (CINCA). Also called: CHRONIC NEUROLOGIC CUTANEOUS AND ARTICULAR SYNDROME; CINCA syndrome; Prieur Griscelli syndrome; CRYOPYRIN-ASSOCIATED PERIODIC SYNDROME 3. Identifiers: Orphanet 1451, MedGen C0409818, MONDO:0011776, OMIM 607115.
Familial cold autoinflammatory syndrome 1 (FCAS1). Also called: CRYOPYRIN-ASSOCIATED PERIODIC SYNDROME 1; Familial cold inflammatory syndrome 1. Identifiers: Orphanet 47045, MedGen C4551895, MONDO:0007349, OMIM 120100.
Cryopyrin associated periodic syndrome (CAPS). Identifiers: Orphanet 208650, MedGen C2316212, MONDO:0016168.

Allele frequency attached by ClinVar (database versions not stated): gnomAD exomes below 0.00001; ExAC 0.00001; TOPMed 0.00001; gnomAD 0.00002.
gnomAD v4.1: 5 of 1,614,042 alleles (0.00031%); highest among the groups gnomAD compares: African/African-American, 0.0067%; no homozygotes.

Submissions (3):

Labcorp Genetics (formerly Invitae), Labcorp
Classification: Uncertain significance for Cryopyrin associated periodic syndrome. Last evaluated: 2024-11-30. Review status: criteria provided, single submitter. Criteria: Invitae Variant Classification Sherloc (09022015). Collection method: clinical testing. Allele origin: germline.
Comment: This sequence change replaces alanine, which is neutral and non-polar, with proline, which is neutral and non-polar, at codon 848 of the NLRP3 protein (p.Ala848Pro). This variant is present in population databases (rs773376112, gnomAD 0.01%). This variant has not been reported in the literature in individuals affected with NLRP3-related conditions. ClinVar contains an entry for this variant (Variation ID: 234303). Invitae Evidence Modeling of protein sequence and biophysical properties (such as structural, functional, and spatial information, amino acid conservation, physicochemical variation, residue mobility, and thermodynamic stability) has been performed for this missense variant. However, the output from this modeling did not meet the statistical confidence thresholds required to predict the impact of this variant on NLRP3 protein function. In summary, the available evidence is currently insufficient to determine the role of this variant in disease. Therefore, it has been classified as a Variant of Uncertain Significance.

Fulgent Genetics
Classification: Uncertain significance for Familial cold autoinflammatory syndrome 1; Keratitis fugax hereditaria; Familial amyloid nephropathy with urticaria AND deafness; Chronic infantile neurological, cutaneous and articular syndrome; Hearing loss, autosomal dominant 34, with or without inflammation. Last evaluated: 2021-10-27. Review status: criteria provided, single submitter. Criteria: ACMG Guidelines, 2015. Collection method: clinical testing. Allele origin: unknown.

GeneDx
Classification: Uncertain significance. Last evaluated: 2014-09-23. Review status: criteria provided, single submitter. Criteria: GeneDx Variant Classification (06012015). Collection method: clinical testing. Allele origin: germline. Affected: yes.
Comment: The A848P variant in the NLRP3 gene has not been published as a mutation, nor has it been reported as a benign polymorphism to our knowledge. The A848P variant was not observed in approximately 6,500 individuals of European and African American ancestry in the NHLBI Exome Sequencing Project, indicating it is not a common benign variant in these populations. A848P occurs at a position that is conserved among mammals and is a semi-conservative amino acid substitution, which may impact secondary protein structure as these residues differ in some properties. In silico analysis predicts this variant is probably damaging to the protein structure/function. Based on the currently available information, it is unclear whether this variant is a pathogenic mutation or a rare benign variant.

NM_001243133.2(NLRP3):c.2536G>C (p.Ala846Pro)

Gene: NLRP3 (NLR family pyrin domain containing 3; plus strand). Cytogenetic location: 1q44.
Variant type: single nucleotide variant.
Coding change: c.2536G>C on transcript NM_001243133.2 (MANE Select); coding-DNA position 2536, G replaced by C.
Protein change: p.Ala846Pro; replaces alanine 846 with proline.
Molecular consequence: missense variant. On other transcripts: intron variant (2).
Genome position (GRCh38, 1-based): chr1:247,436,013, G>C. VCF-style: chr1-247436013-G-C. GRCh37 (hg19) VCF-style: chr1-247599315-G-C.
Other names: c.2536G>C, p.Ala846Pro (NM_001079821.3); c.2365G>C, p.Ala789Pro (NM_001127462.3); c.2542G>C, p.Ala848Pro (NM_004895.5); c.2492+1740G>C (NM_001127461.3); c.2321+1740G>C (NM_183395.3); short protein forms A848P, A846P, A789P.
Identifiers: ClinVar variation 234303 (VCV000234303.5), dbSNP rs773376112, ClinGen allele CA1495285.